The following is an entry in ClinVar:

NM_012338.4(TSPAN12):c.241G>A (p.Gly81Arg)

Gene: TSPAN12 (tetraspanin 12; minus strand). Cytogenetic location: 7q31.31.
Variant type: single nucleotide variant.
Coding change: c.241G>A on transcript NM_012338.4 (MANE Select); coding-DNA position 241, G replaced by A.
Protein change: p.Gly81Arg; replaces glycine 81 with arginine.
Molecular consequence: missense variant.
Genome position (GRCh38, 1-based): chr7:120,838,821, C>T on the plus strand (G>A on the coding strand, the complement: TSPAN12 is on the minus strand). VCF-style: chr7-120838821-C-T. GRCh37 (hg19) VCF-style: chr7-120478875-C-T.
Other names: short protein forms G81R.
Identifiers: ClinVar variation 2028112 (VCV002028112.4), dbSNP rs2485420032, ClinGen allele CA369141252.

ClinVar aggregate classification (germline): Uncertain significance (1 of 4 stars; one submission).

Submission:

Labcorp Genetics (formerly Invitae), Labcorp
Classification: Uncertain significance. Last evaluated: 2022-08-31. Review status: criteria provided, single submitter. Criteria: Invitae Variant Classification Sherloc (09022015). Collection method: clinical testing. Allele origin: germline.
Comment: Algorithms developed to predict the effect of missense changes on protein structure and function are either unavailable or do not agree on the potential impact of this missense change (SIFT: "Tolerated"; PolyPhen-2: "Probably Damaging"; Align-GVGD: "Class C0"). This missense change has been observed in individual(s) with familial exudative vitreoretinopathy (PMID: 34445920). It has also been observed to segregate with disease in related individuals. This variant is not present in population databases (gnomAD no frequency). This sequence change replaces glycine, which is neutral and non-polar, with arginine, which is basic and polar, at codon 81 of the TSPAN12 protein (p.Gly81Arg). In summary, the available evidence is currently insufficient to determine the role of this variant in disease. Therefore, it has been classified as a Variant of Uncertain Significance. This variant disrupts the p.Gly81 amino acid residue in TSPAN12. Other variant(s) that disrupt this residue have been observed in individuals with TSPAN12-related conditions (PMID: 30452590), which suggests that this may be a clinically significant amino acid residue.

Literature cited by the submitters: PubMed 34445920; PubMed 30452590.